The following is an entry in ClinVar:

ClinVar aggregate classification (germline): Pathogenic (1 of 4 stars; one submission).

Conditions:
Charcot-Marie-Tooth disease axonal type 2S. Also called: CHARCOT-MARIE-TOOTH NEUROPATHY, TYPE 2S; CHARCOT-MARIE-TOOTH DISEASE, AXONAL, AUTOSOMAL RECESSIVE, TYPE 2S. Identifiers: Orphanet 443073, MedGen C4015349, MONDO:0014511, OMIM 616155.
Autosomal recessive distal spinal muscular atrophy 1. Also called: SEVERE INFANTILE AXONAL NEUROPATHY WITH RESPIRATORY FAILURE; SPINAL MUSCULAR ATROPHY, DIAPHRAGMATIC; Spinal muscular atrophy with respiratory distress 1; NEURONOPATHY, DISTAL HEREDITARY MOTOR, HARDING TYPE VI; NEUROPATHY, DISTAL HEREDITARY MOTOR, AUTOSOMAL RECESSIVE 1; HMN VI. Identifiers: Orphanet 98920, MedGen C1858517, MONDO:0011436, OMIM 604320.

gnomAD v4.1: 1 of 1,614,076 alleles (0.000062%); highest among the groups gnomAD compares: Non-Finnish European, 0.000085%; no homozygotes.

Submission:

Labcorp Genetics (formerly Invitae), Labcorp
Classification: Pathogenic for Autosomal recessive distal spinal muscular atrophy 1; Charcot-Marie-Tooth disease axonal type 2S. Last evaluated: 2024-08-19. Review status: criteria provided, single submitter. Criteria: Invitae Variant Classification Sherloc (09022015). Collection method: clinical testing. Allele origin: germline.
Comment: This sequence change creates a premature translational stop signal (p.Tyr72*) in the IGHMBP2 gene. It is expected to result in an absent or disrupted protein product. Loss-of-function variants in IGHMBP2 are known to be pathogenic (PMID: 14681881, 25439726, 25568292). This variant is not present in population databases (gnomAD no frequency). This variant has not been reported in the literature in individuals affected with IGHMBP2-related conditions. ClinVar contains an entry for this variant (Variation ID: 837509). Algorithms developed to predict the effect of sequence changes on RNA splicing suggest that this variant may create or strengthen a splice site. For these reasons, this variant has been classified as Pathogenic.

Literature cited by the submitters: PubMed 14681881; PubMed 25439726; PubMed 25568292.

NM_002180.3(IGHMBP2):c.216C>G (p.Tyr72Ter)

Gene: IGHMBP2 (immunoglobulin mu DNA binding protein 2; plus strand). Cytogenetic location: 11q13.3.
Variant type: single nucleotide variant.
Coding change: c.216C>G on transcript NM_002180.3 (MANE Select); coding-DNA position 216, C replaced by G.
Protein change: p.Tyr72Ter; replaces tyrosine 72 with a stop codon.
Molecular consequence: nonsense.
Genome position (GRCh38, 1-based): chr11:68,906,198, C>G. VCF-style: chr11-68906198-C-G. GRCh37 (hg19) VCF-style: chr11-68673666-C-G.
Other names: short protein forms Y72*.
Identifiers: ClinVar variation 837509 (VCV000837509.9), dbSNP rs755468547, ClinGen allele CA381642538.